The following is an entry in ClinVar:

ClinVar aggregate classification (germline): Uncertain significance (1 of 4 stars; one submission).

Conditions:
Parenti-mignot neurodevelopmental syndrome. Identifiers: MedGen C5676984, MONDO:0859249, OMIM 619873.

Allele frequency attached by ClinVar (database versions not stated): TOPMed below 0.00001.
gnomAD v4.1: 13 of 1,613,556 alleles (0.00081%); highest among the groups gnomAD compares: Non-Finnish European, 0.0011%; no homozygotes.

Submission:

Victorian Clinical Genetics Services, Murdoch Childrens Research Institute
Classification: Uncertain significance for Parenti-mignot neurodevelopmental syndrome. Last evaluated: 2022-09-02. Review status: criteria provided, single submitter. Criteria: ACMG Guidelines, 2015. Collection method: clinical testing. Allele origin: germline. Inheritance: Autosomal dominant inheritance. Affected: yes.
Comment: Based on the classification scheme VCGS_Germline_v1.3.4, this variant is classified as VUS-3C. Following criteria are met: 0102 - Loss of function is a known mechanism of disease in this gene and is associated with Parenti-Mignot neurodevelopmental syndrome (MIM#619873). (I) 0107 - This gene is associated with autosomal dominant disease. (I) 0115 - Variants in this gene are known to have variable expressivity, with intrafamilial variability (PMID: 33944996). (I) 0200 - Variant is predicted to result in a missense amino acid change from glutamic acid to lysine. (I) 0251 - This variant is heterozygous. (I) 0301 - Variant is absent from gnomAD (both v2 and v3). (SP) 0309 - An alternative amino acid change at the same position has been observed in gnomAD (v2) (3 heterozygotes, 0 homozygotes). (I) 0503 - Missense variant consistently predicted to be tolerated by multiple in silico tools or not conserved in placental mammals with a minor amino acid change. (SB) 0604 - Variant is not located in an established domain, motif, hotspot or informative constraint region. (I) 0705 - No comparable missense variants have previous evidence for pathogenicity. (I) 0807 - This variant has no previous evidence of pathogenicity. (I) 0905 - No published segregation evidence has been identified for this variant. (I) 1007 - No published functional evidence has been identified for this variant. (I) 1208 - Inheritance information for this variant is not currently available in this individual. (I) Legend: (SP) - Supporting pathogenic, (I) - Information, (SB) - Supporting benign

Literature cited by the submitters: PubMed 33944996.

NM_015557.3(CHD5):c.4990G>A (p.Glu1664Lys)

Gene: CHD5 (chromodomain helicase DNA binding protein 5; minus strand). Cytogenetic location: 1p36.31.
Variant type: single nucleotide variant.
Coding change: c.4990G>A on transcript NM_015557.3 (MANE Select); coding-DNA position 4990, G replaced by A.
Protein change: p.Glu1664Lys; replaces glutamic acid 1664 with lysine.
Molecular consequence: missense variant.
Genome position (GRCh38, 1-based): chr1:6,112,921, C>T on the plus strand (G>A on the coding strand, the complement: CHD5 is on the minus strand). VCF-style: chr1-6112921-C-T. GRCh37 (hg19) VCF-style: chr1-6172981-C-T.
Other names: short protein forms E1664K.
Identifiers: ClinVar variation 1805982 (VCV001805982.1), dbSNP rs1476026134, ClinGen allele CA338067128.